The following is an entry in ClinVar:

ClinVar aggregate classification (germline): Pathogenic. Review status: criteria provided, multiple submitters, no conflicts (2 of 4 stars). 2 submissions from 2 submitters: Pathogenic (2). Last evaluated 2026-06-01.

Conditions:
Menkes kinky-hair syndrome (MNK). Also called: Menkes Disease; Classic Menkes Disease; Copper transport disease. Identifiers: Orphanet 565, MedGen C0022716, MONDO:0010651, OMIM 309400.

Submissions (2):

CeGaT Center for Human Genetics Tuebingen
Classification: Pathogenic. Last evaluated: 2026-06-01. Review status: criteria provided, single submitter. Criteria: CeGaT Center For Human Genetics Tuebingen Variant Classification Criteria Version 2. Collection method: clinical testing. Allele origin: germline. Affected: yes. Observed: 2 variant alleles.
Comment: ATP7A: PVS1, PM2

Genetic Services Laboratory, University of Chicago
Classification: Pathogenic for Menkes disease. Last evaluated: 2013-02-08. Review status: criteria provided, single submitter. Criteria: ACMG Guidelines, 2007. Collection method: clinical testing. Allele origin: germline. Affected: yes.

NM_000052.7(ATP7A):c.3466C>T (p.Gln1156Ter)

Gene: ATP7A (ATPase copper transporting alpha; plus strand). Cytogenetic location: Xq21.1.
Variant type: single nucleotide variant.
Coding change: c.3466C>T on transcript NM_000052.7 (MANE Select); coding-DNA position 3466, C replaced by T.
Protein change: p.Gln1156Ter; replaces glutamine 1156 with a stop codon.
Molecular consequence: nonsense. On other transcripts: non-coding transcript variant (1).
Genome position (GRCh38, 1-based): chrX:78,033,776, C>T. VCF-style: chrX-78033776-C-T. GRCh37 (hg19) VCF-style: chrX-77289274-C-T.
Other names: c.3232C>T, p.Gln1078Ter (NM_001282224.2); short protein forms Q1156*, Q1078*.
Identifiers: ClinVar variation 210453 (VCV000210453.10), dbSNP rs797045378, ClinGen allele CA277386.